The following is an entry in ClinVar:

ClinVar aggregate classification (germline): Uncertain significance (1 of 4 stars; one submission).

Conditions:
T-B+ severe combined immunodeficiency due to JAK3 deficiency. Also called: SCID, autosomal recessive, T-negative/B-positive type; SCID, T CELL-NEGATIVE, B CELL-POSITIVE, NK CELL-NEGATIVE. Identifiers: Orphanet 35078, MedGen C1833275, MONDO:0010938, OMIM 600802.

Allele frequency attached by ClinVar (database versions not stated): gnomAD 0.00001; TOPMed 0.00001; ExAC 0.00003.
gnomAD v4.1: 19 of 1,612,000 alleles (0.0012%); highest among the groups gnomAD compares: Admixed American, 0.012%; no homozygotes.

Submission:

Labcorp Genetics (formerly Invitae), Labcorp
Classification: Uncertain significance for T-B+ severe combined immunodeficiency due to JAK3 deficiency. Last evaluated: 2022-07-25. Review status: criteria provided, single submitter. Criteria: Invitae Variant Classification Sherloc (09022015). Collection method: clinical testing. Allele origin: germline.
Comment: This sequence change replaces arginine, which is basic and polar, with histidine, which is basic and polar, at codon 432 of the JAK3 protein (p.Arg432His). This variant is present in population databases (rs749143191, gnomAD 0.02%). This variant has not been reported in the literature in individuals affected with JAK3-related conditions. Advanced modeling of protein sequence and biophysical properties (such as structural, functional, and spatial information, amino acid conservation, physicochemical variation, residue mobility, and thermodynamic stability) performed at Invitae indicates that this missense variant is not expected to disrupt JAK3 protein function. In summary, the available evidence is currently insufficient to determine the role of this variant in disease. Therefore, it has been classified as a Variant of Uncertain Significance.

NM_000215.4(JAK3):c.1295G>A (p.Arg432His)

Gene: JAK3 (Janus kinase 3; minus strand). Cytogenetic location: 19p13.11.
Variant type: single nucleotide variant.
Coding change: c.1295G>A on transcript NM_000215.4 (MANE Select); coding-DNA position 1295, G replaced by A.
Protein change: p.Arg432His; replaces arginine 432 with histidine.
Molecular consequence: missense variant.
Genome position (GRCh38, 1-based): chr19:17,839,623, C>T on the plus strand (G>A on the coding strand, the complement: JAK3 is on the minus strand). VCF-style: chr19-17839623-C-T. GRCh37 (hg19) VCF-style: chr19-17950432-C-T.
Other names: short protein forms R432H.
Identifiers: ClinVar variation 2157585 (VCV002157585.1), dbSNP rs749143191, ClinGen allele CA9301923.